The following is an entry in ClinVar:

NM_007294.4(BRCA1):c.1799del (p.Ile600fs)

Gene: BRCA1 (BRCA1 DNA repair associated; minus strand). Cytogenetic location: 17q21.31.
Variant type: Deletion.
Coding change: c.1799del on transcript NM_007294.4 (MANE Select); coding-DNA position 1799, one base deleted (T; older notation c.1799delT).
Protein change: p.Ile600fs; shifts the reading frame from isoleucine 600.
Molecular consequence: frameshift variant. On other transcripts: intron variant (137).
Genome position (GRCh38, 1-based): chr17:43,093,732, A deleted on the plus strand (T on the coding strand, the reverse complement: BRCA1 is on the minus strand). VCF-style (leftmost placement, unchanged base first): chr17-43093731-GA-G. GRCh37 (hg19) VCF-style: chr17-41245748-GA-G.
Other names: c.1721del, p.Ile574fs (NM_001407655.1, NM_001407656.1, NM_001407657.1 and 4 more transcripts); c.1718del, p.Ile573fs (NM_001407659.1, NM_001407660.1, NM_001407661.1 and 1 more transcripts); c.1676del, p.Ile559fs (NM_001407664.1, NM_001407665.1, NM_001407666.1 and 19 more transcripts); c.1673del, p.Ile558fs (NM_001407670.1, NM_001407671.1, NM_001407672.1 and 11 more transcripts); c.1799del, p.Ile600fs (NM_001407684.1, NM_001407854.1, NM_001407858.1 and 30 more transcripts); c.1658del, p.Ile553fs (NM_001407692.1, NM_001407694.1, NM_001407695.1 and 29 more transcripts); c.1655del, p.Ile552fs (NM_001407740.1, NM_001407741.1, NM_001407742.1 and 20 more transcripts); c.1586del, p.Ile529fs (NM_001407853.1, NM_001407894.1, NM_001407895.1 and 9 more transcripts); and 40 more; short protein forms I553fs, I600fs, I304fs, I473fs, I511fs, I512fs, I432fs, I530fs.
Identifiers: ClinVar variation 240776 (VCV000240776.10), dbSNP rs878854934, ClinGen allele CA10583577.

ClinVar aggregate classification (germline): Pathogenic. Review status: reviewed by expert panel (3 of 4 stars). 2 submissions from 2 submitters: Pathogenic (1). 1 of the submissions does not count toward it. Last evaluated 2017-12-15.

Conditions:
Hereditary breast ovarian cancer syndrome. Also called: Hereditary breast and ovarian cancer syndrome (HBOC); Breast and ovarian cancer; Hereditary breast and ovarian cancer syndrome; Hereditary breast and ovarian cancer; BRCA1- and BRCA2-Associated Hereditary Breast and Ovarian Cancer; Hereditary breast and/or ovarian cancer syndrome. Identifiers: Orphanet 145, MedGen C0677776, MeSH D061325, MONDO:0003582. Disease mechanism: loss of function.
Breast-ovarian cancer, familial, susceptibility to, 1 (BROVCA1). Also called: BRCA1 Hereditary Breast and Ovarian Cancer; OVARIAN CANCER, SUSCEPTIBILITY TO. Identifiers: Orphanet 145, MedGen C2676676, MONDO:0011450, OMIM 604370. Disease mechanism: loss of function.

Submissions (2):

Evidence-based Network for the Interpretation of Germline Mutant Alleles (ENIGMA)
Classification: Pathogenic for Breast-ovarian cancer, familial, susceptibility to, 1. Last evaluated: 2017-12-15. Review status: reviewed by expert panel. Criteria: ENIGMA BRCA1/2 Classification Criteria (2017-06-29). Collection method: curation. Allele origin: germline. Study: ENIGMA.
Comment: Variant allele predicted to encode a truncated non-functional protein.

Labcorp Genetics (formerly Invitae), Labcorp
Classification: Pathogenic for Hereditary breast ovarian cancer syndrome. Last evaluated: 2023-01-17. Review status: criteria provided, single submitter. Criteria: Invitae Variant Classification Sherloc (09022015). Collection method: clinical testing. Allele origin: germline. Not counted in ClinVar's aggregate classification.
Comment: For these reasons, this variant has been classified as Pathogenic. ClinVar contains an entry for this variant (Variation ID: 240776). This variant has not been reported in the literature in individuals affected with BRCA1-related conditions. This variant is not present in population databases (gnomAD no frequency). This sequence change creates a premature translational stop signal (p.Ile600Thrfs*12) in the BRCA1 gene. It is expected to result in an absent or disrupted protein product. Loss-of-function variants in BRCA1 are known to be pathogenic (PMID: 20104584).

Literature cited by the submitters: PubMed 20104584 (cited by Labcorp Genetics (formerly Invitae), Labcorp).